The following is an entry in ClinVar:

NM_001267550.2(TTN):c.65209del (p.Ala21736_Leu21737insTer)

Genes: TTN-AS1 (TTN antisense RNA 1; plus strand), TTN (titin; minus strand). Cytogenetic location: 2q31.2.
Variant type: Deletion.
Coding change: c.65209del on transcript NM_001267550.2 (MANE Select); coding-DNA position 65209, one base deleted (C; older notation c.65209delC).
Protein change: p.Ala21736_Leu21737insTer.
Molecular consequence: nonsense.
Genome position (GRCh38, 1-based): chr2:178,584,342, G deleted on the plus strand (C on the coding strand, the reverse complement: TTN is on the minus strand); the first of 3 consecutive G bases (chr2:178,584,342-178,584,344); deleting any one gives the same sequence. VCF-style (leftmost placement, unchanged base first): chr2-178584341-AG-A. GRCh37 (hg19) VCF-style: chr2-179449068-AG-A.
Other names: c.60286del, p.Ala20095_Leu20096insTer (NM_001256850.1); c.38014del, p.Ala12671_Leu12672insTer (NM_003319.4); c.57505del, p.Ala19168_Leu19169insTer (NM_133378.4); c.38389del, p.Ala12796_Leu12797insTer (NM_133432.3); c.38590del, p.Ala12863_Leu12864insTer (NM_133437.4).
Identifiers: ClinVar variation 4786177 (VCV004786177.1).

ClinVar aggregate classification (germline): Likely pathogenic (1 of 4 stars; one submission).

Conditions:
Autosomal recessive limb-girdle muscular dystrophy type 2J (LGMDR10). Also called: Limb-girdle muscular dystrophy, type 2J; MUSCULAR DYSTROPHY, LIMB-GIRDLE, AUTOSOMAL RECESSIVE 10. Identifiers: Orphanet 140922, MedGen C1837342, MONDO:0012127, OMIM 608807.
Dilated cardiomyopathy 1G (CMD1G). Identifiers: Orphanet 154, MedGen C1858763, MONDO:0011400, OMIM 604145.

Submission:

Labcorp Genetics (formerly Invitae), Labcorp
Classification: Likely pathogenic for Dilated cardiomyopathy 1G; Autosomal recessive limb-girdle muscular dystrophy type 2J. Last evaluated: 2025-09-20. Review status: criteria provided, single submitter. Criteria: Invitae Variant Classification Sherloc (09022015). Collection method: clinical testing. Allele origin: germline.
Comment: While this is not anticipated to result in nonsense mediated decay, it is expected to create a truncated TTN protein. While this is not anticipated to result in nonsense mediated decay, it is expected to disrupt the last 14255 amino acid(s) of the TTN protein. This variant is not present in population databases (gnomAD no frequency). This premature translational stop signal has been observed in individual(s) with dilated cardiomyopathy (internal data). This variant is located in the A band of TTN (PMID: 25589632). Truncating variants in this region are significantly overrepresented in patients affected with dilated cardiomyopathy (PMID: 25589632). Truncating variants in this region have also been reported in individuals affected with autosomal recessive centronuclear myopathy (PMID: 23975875). In summary, the currently available evidence indicates that the variant is pathogenic, but additional data are needed to prove that conclusively. Therefore, this variant has been classified as Likely Pathogenic.

Literature cited by the submitters: PubMed 25589632; PubMed 23975875.